The following is an entry in ClinVar:

NM_000176.3(NR3C1):c.2250C>T (p.Pro750=)

Gene: NR3C1 (nuclear receptor subfamily 3 group C member 1; minus strand). Cytogenetic location: 5q31.3.
Variant type: single nucleotide variant.
Coding change: c.2250C>T on transcript NM_000176.3 (MANE Select); coding-DNA position 2250, C replaced by T.
Protein change: p.Pro750=; no amino-acid change (proline 750 retained).
Molecular consequence: synonymous variant. On other transcripts: non-coding transcript variant (1), intron variant (1).
Genome position (GRCh38, 1-based): chr5:143,281,973, G>A on the plus strand (C>T on the coding strand, the complement: NR3C1 is on the minus strand). VCF-style: chr5-143281973-G-A. GRCh37 (hg19) VCF-style: chr5-142661538-G-A.
Other names: c.2250C>T, p.Pro750= (NM_001018074.1, NM_001018075.1, NM_001018076.2 and 4 more transcripts); c.2253C>T, p.Pro751= (NM_001024094.2, NM_001364183.2, NM_001364184.2 and 1 more transcripts); c.2172C>T, p.Pro724= (NM_001204258.2); c.1995C>T, p.Pro665= (NM_001204259.2); c.1983C>T, p.Pro661= (NM_001204260.2); c.1959C>T, p.Pro653= (NM_001204261.2); c.1305C>T, p.Pro435= (NM_001204262.2); c.1260C>T, p.Pro420= (NM_001204263.2); and 2 more.
Identifiers: ClinVar variation 351365 (VCV000351365.15), dbSNP rs67300719, ClinGen allele CA3486686.
Genomic context (GRCh38, chr5:143,281,973, plus strand): 5'-TTTGATATTTCCATTTGAATATTTTGGTATCTGATTGGTGATGATTTCAGCTAACATCTC[G>A]GGGAATTCAATACTCATGGTCTTATCCAAAAATGTTTGGAAGCAATAGTTAAGGAGATTT-3'
Protein context (NP_000167.1, residues 740-760): FLDKTMSIEF[Pro750=]EMLAEIITNQ

ClinVar aggregate classification (germline): Benign/Likely benign. Review status: criteria provided, multiple submitters, no conflicts (2 of 4 stars). 3 submissions from 3 submitters: Benign (1); Likely benign (2). Last evaluated 2025-06-12.

Conditions:
Glucocorticoid resistance. Also called: Glucocorticoid resistance, generalized; Gccr deficiency; Glucocorticoid receptor deficiency; Cortisol resistance from glucocorticoid receptor defect; Gcr deficiency. Identifiers: Orphanet 786, MedGen C1841972, MONDO:0014421, OMIM 615962.

Allele frequency attached by ClinVar (database versions not stated): ESP Exome Variant Server 0.00015; gnomAD 0.00061 and 0.00099; gnomAD exomes 0.00070 and 0.00239; TOPMed 0.00098; ExAC 0.00213; 1000 Genomes Project 30x 0.00609; 1000 Genomes Project 0.00639.
gnomAD v4.1: 1,266 of 1,613,376 alleles (0.078%); highest among the groups gnomAD compares: East Asian, 1.9%; 17 homozygotes.

Submissions (3):

Labcorp Genetics (formerly Invitae), Labcorp
Classification: Benign. Last evaluated: 2025-06-12. Review status: criteria provided, single submitter. Criteria: Invitae Variant Classification Sherloc (09022015). Collection method: clinical testing. Allele origin: germline.

Fulgent Genetics
Classification: Likely benign for Glucocorticoid resistance. Last evaluated: 2021-07-22. Review status: criteria provided, single submitter. Criteria: ACMG Guidelines, 2015. Collection method: clinical testing. Allele origin: unknown.

Illumina Laboratory Services, Illumina
Classification: Likely benign for Glucocorticoid resistance. Last evaluated: 2018-01-13. Review status: criteria provided, single submitter. Criteria: ICSL Variant Classification Criteria 13 December 2019. Collection method: clinical testing. Allele origin: germline.
Comment: This variant was observed in the ICSL laboratory as part of a predisposition screen in an ostensibly healthy population. It had not been previously curated by ICSL or reported in the Human Gene Mutation Database (HGMD: prior to June 1st, 2018), and was therefore a candidate for classification through an automated scoring system. Utilizing variant allele frequency, disease prevalence and penetrance estimates, and inheritance mode, an automated score was calculated to assess if this variant is too frequent to cause the disease. Based on the score and internal cut-off values, a variant classified as likely benign is not then subjected to further curation. The score for this variant resulted in a classification of likely benign for this disease.